The following is an entry in ClinVar:

NM_005419.4(STAT2):c.1827_1829del (p.Ile610del)

Gene: STAT2 (signal transducer and activator of transcription 2; minus strand). Cytogenetic location: 12q13.3.
Variant type: Deletion.
Coding change: c.1827_1829del on transcript NM_005419.4 (MANE Select); coding-DNA positions 1827 to 1829, 3 bases deleted (CAT; older notation c.1827_1829delCAT).
Protein change: p.Ile610del; deletes isoleucine 610.
Molecular consequence: inframe deletion.
Genome position (GRCh38, 1-based): chr12:56,346,851-56,346,853, ATG deleted on the plus strand (CAT on the coding strand, the reverse complement: STAT2 is on the minus strand). VCF-style (leftmost placement, unchanged base first): chr12-56346850-AATG-A. GRCh37 (hg19) VCF-style: chr12-56740634-AATG-A.
Other names: c.1827_1829del, p.Ile610del (LRG_1329t1); c.1815_1817del, p.Ile606del (NM_198332.2); short protein forms I606del, I610del.
Identifiers: ClinVar variation 659151 (VCV000659151.8), dbSNP rs1592468046, ClinGen allele CA915946991.
Genomic context (GRCh38, chr12:56,346,850, plus strand): 5'-TGTGGGAATGGCAGGGCAGAGCAGCTGACCATCATCCTGGTGCTCCACCCAGGAGCAGGT[AATG>A]CCCCCTTCTGACGATTCACTGAAGCGCAGTAGAAAGGTGCCAGACATGGTCTTCTTCAGC-3'

ClinVar aggregate classification (germline): Uncertain significance (1 of 4 stars; one submission).

Conditions:
Primary immunodeficiency with post-measles-mumps-rubella vaccine viral infection. Also called: Immunodeficiency 44. Identifiers: Orphanet 431166, MedGen C4225260, MONDO:0014715, OMIM 616636.

Submission:

Labcorp Genetics (formerly Invitae), Labcorp
Classification: Uncertain significance for Primary immunodeficiency with post-measles-mumps-rubella vaccine viral infection. Last evaluated: 2024-10-07. Review status: criteria provided, single submitter. Criteria: Invitae Variant Classification Sherloc (09022015). Collection method: clinical testing. Allele origin: germline.
Comment: This variant, c.1827_1829del, results in the deletion of 1 amino acid(s) of the STAT2 protein (p.Ile610del), but otherwise preserves the integrity of the reading frame. This variant is not present in population databases (gnomAD no frequency). This variant has not been reported in the literature in individuals affected with STAT2-related conditions. ClinVar contains an entry for this variant (Variation ID: 659151). Experimental studies and prediction algorithms are not available or were not evaluated, and the functional significance of this variant is currently unknown. In summary, the available evidence is currently insufficient to determine the role of this variant in disease. Therefore, it has been classified as a Variant of Uncertain Significance.